The following is an entry in ClinVar:

ClinVar aggregate classification (germline): Conflicting classifications of pathogenicity. Review status: criteria provided, conflicting classifications (1 of 4 stars). 4 submissions from 4 submitters: Likely pathogenic (3); Uncertain significance (1). Last evaluated 2026-06-09.

Conditions:
Glycogen storage disease, type V (GSD5). Also called: McArdle type glycogen storage disease; MYOPHOSPHORYLASE DEFICIENCY; MCARDLE DISEASE; MUSCLE GLYCOGEN PHOSPHORYLASE DEFICIENCY; PYGM DEFICIENCY. Identifiers: Orphanet 368, MedGen C0017924, MONDO:0009293, OMIM 232600.

Allele frequency attached by ClinVar (database versions not stated): gnomAD exomes 0.00001; TOPMed 0.00001; 1000 Genomes Project 30x 0.00016; 1000 Genomes Project 0.00020.
gnomAD v4.1: 7 of 1,613,950 alleles (0.00043%); highest among the groups gnomAD compares: African/African-American, 0.0027%; no homozygotes.

Submissions (4):

Myriad Genetics, Inc.
Classification: Likely pathogenic for Glycogen storage disease, type V. Last evaluated: 2026-06-09. Review status: criteria provided, single submitter. Criteria: Myriad Autosomal Dominant, Autosomal Recessive and X-Linked Classification Criteria (2023). Collection method: clinical testing. Allele origin: unknown.
Comment: NM_005609.2(PYGM):c.1769G>A(R590H) is a missense variant classified as likely pathogenic in the context of glycogen storage disease, PYGM-related. R590H has been observed in cases with relevant disease (PMID: 17324573, 22250184, 25566067, 29926259, 33234167). Relevant functional assessments of this variant are not available in the literature. R590H has been observed in referenced population frequency databases. In summary, NM_005609.2(PYGM):c.1769G>A(R590H) is a missense variant that has been observed more frequently in cases with the relevant disease than in healthy populations. Please note: this variant was assessed in the context of healthy population screening.

Natera, Inc.
Classification: Likely pathogenic for Glycogen storage disease V. Last evaluated: 2025-05-17. Review status: criteria provided, single submitter. Criteria: Natera Variant Classification Schema (03/2026). Collection method: clinical testing. Allele origin: germline.
Comment: The c.1769G>A variant in PYGM is a missense variant predicted to cause substitution of arginine to histidine at amino acid 590. This variant is rare in the general population with a frequency below the threshold expected for the associated phenotype(s). This variant has been observed in one or more individuals affected with the associated recessive disease, as either homozygous or compound heterozygous with a second variant (PMID: 29926259). Computational prediction algorithms indicate this variant is likely to affect gene or protein function. Given the available evidence, this variant is classified as Likely Pathogenic.

Baylor Genetics
Classification: Likely pathogenic for Glycogen storage disease, type V. Last evaluated: 2024-03-28. Review status: criteria provided, single submitter. Criteria: ACMG Guidelines, 2015. Collection method: clinical testing. Allele origin: unknown.

Labcorp Genetics (formerly Invitae), Labcorp
Classification: Uncertain significance for Glycogen storage disease, type V. Last evaluated: 2022-01-17. Review status: criteria provided, single submitter. Criteria: Invitae Variant Classification Sherloc (09022015). Collection method: clinical testing. Allele origin: germline.
Comment: This sequence change replaces arginine, which is basic and polar, with histidine, which is basic and polar, at codon 590 of the PYGM protein (p.Arg590His). This variant is present in population databases (rs115942812, gnomAD 0.01%). This missense change has been observed in individual(s) with myophosphorylase deficiency (McArdle disease) (PMID: 17324573, 22250184, 29143597). Algorithms developed to predict the effect of missense changes on protein structure and function are either unavailable or do not agree on the potential impact of this missense change (SIFT: "Not Available"; PolyPhen-2: "Probably Damaging"; Align-GVGD: "Not Available"). Experimental studies and prediction algorithms are not available or were not evaluated, and the effect of this variant on mRNA splicing is currently unknown. In summary, the available evidence is currently insufficient to determine the role of this variant in disease. Therefore, it has been classified as a Variant of Uncertain Significance.

Literature cited by the submitters: PubMed 17324573 (cited by Myriad Genetics, Inc. and Labcorp Genetics (formerly Invitae), Labcorp); PubMed 22250184 (cited by Myriad Genetics, Inc. and Labcorp Genetics (formerly Invitae), Labcorp); PubMed 25566067 (cited by Myriad Genetics, Inc.); PubMed 29926259 (cited by Myriad Genetics, Inc. and Natera, Inc.); PubMed 33234167 (cited by Myriad Genetics, Inc.); PubMed 29143597 (cited by Labcorp Genetics (formerly Invitae), Labcorp).

NM_005609.4(PYGM):c.1769G>A (p.Arg590His)

Gene: PYGM (glycogen phosphorylase, muscle associated; minus strand). Cytogenetic location: 11q13.1.
Variant type: single nucleotide variant.
Coding change: c.1769G>A on transcript NM_005609.4 (MANE Select); coding-DNA position 1769, G replaced by A.
Protein change: p.Arg590His; replaces arginine 590 with histidine.
Molecular consequence: missense variant.
Genome position (GRCh38, 1-based): chr11:64,751,655, C>T on the plus strand (G>A on the coding strand, the complement: PYGM is on the minus strand). VCF-style: chr11-64751655-C-T. GRCh37 (hg19) VCF-style: chr11-64519127-C-T.
Other names: c.1769G>A (NM_005609.3); c.1505G>A, p.Arg502His (NM_001164716.1); short protein forms R502H, R590H.
Identifiers: ClinVar variation 2137130 (VCV002137130.5), dbSNP rs115942812, ClinGen allele CA223898669.